The following is an entry in ClinVar:

ClinVar aggregate classification (germline): Uncertain significance. Review status: criteria provided, multiple submitters, no conflicts (2 of 4 stars). 2 submissions from 2 submitters: Uncertain significance (2). Last evaluated 2021-09-17.

Conditions:
Fetal akinesia deformation sequence 1 (FADS1). Also called: Fetal akinesia sequence; Pena-Shokeir syndrome type I. Identifiers: Orphanet 994, MedGen C1276035, MONDO:0100101, OMIM 208150, HP:0001989.
Congenital myasthenic syndrome 11. Also called: MYASTHENIC SYNDROME, CONGENITAL, Ie; Myasthenic syndrome, congenital, 11, associated with acetylcholine receptor deficiency. Identifiers: Orphanet 590, MedGen C4225367, MONDO:0014588, OMIM 616326.
Fetal akinesia deformation sequence 2. Identifiers: MedGen C4760576, MONDO:0100102, OMIM 618388.

Allele frequency attached by ClinVar (database versions not stated): ExAC 0.00001; gnomAD 0.00001; gnomAD exomes 0.00002; TOPMed 0.00002; 1000 Genomes Project 30x 0.00016; 1000 Genomes Project 0.00020.
gnomAD v4.1: 26 of 1,612,994 alleles (0.0016%); highest among the groups gnomAD compares: African/African-American, 0.0027%; no homozygotes.

Submissions (2):

Department of Pathology and Laboratory Medicine, Sinai Health System
Classification: Uncertain significance for Congenital myasthenic syndrome 11; Fetal akinesia deformation sequence 2. Last evaluated: 2021-09-17. Review status: criteria provided, single submitter. Criteria: ACMG Guidelines, 2015. Collection method: research. Allele origin: germline.

Labcorp Genetics (formerly Invitae), Labcorp
Classification: Uncertain significance for Congenital myasthenic syndrome 11; Fetal akinesia deformation sequence 1. Last evaluated: 2021-08-30. Review status: criteria provided, single submitter. Criteria: Invitae Variant Classification Sherloc (09022015). Collection method: clinical testing. Allele origin: germline.
Comment: This sequence change replaces arginine with glutamine at codon 74 of the RAPSN protein (p.Arg74Gln). The arginine residue is highly conserved and there is a small physicochemical difference between arginine and glutamine. This variant is present in population databases (rs568433059, ExAC 0.006%). This variant has not been reported in the literature in individuals affected with RAPSN-related conditions. Algorithms developed to predict the effect of missense changes on protein structure and function are either unavailable or do not agree on the potential impact of this missense change (SIFT: "Deleterious"; PolyPhen-2: "Possibly Damaging"; Align-GVGD: "Class C0"). In summary, the available evidence is currently insufficient to determine the role of this variant in disease. Therefore, it has been classified as a Variant of Uncertain Significance.

NM_005055.5(RAPSN):c.221G>A (p.Arg74Gln)

Gene: RAPSN (receptor associated protein of the synapse; minus strand). Cytogenetic location: 11p11.2.
Variant type: single nucleotide variant.
Coding change: c.221G>A on transcript NM_005055.5 (MANE Select); coding-DNA position 221, G replaced by A.
Protein change: p.Arg74Gln; replaces arginine 74 with glutamine.
Molecular consequence: missense variant.
Genome position (GRCh38, 1-based): chr11:47,448,122, C>T on the plus strand (G>A on the coding strand, the complement: RAPSN is on the minus strand). VCF-style: chr11-47448122-C-T. GRCh37 (hg19) VCF-style: chr11-47469674-C-T.
Other names: c.221G>A, p.Arg74Gln (NM_032645.5); short protein forms R74Q.
Identifiers: ClinVar variation 652034 (VCV000652034.4), dbSNP rs568433059, ClinGen allele CA5976779.